The following is an entry in ClinVar:

NM_015331.3(NCSTN):c.959C>A (p.Thr320Asn)

Gene: NCSTN (nicastrin; plus strand). Cytogenetic location: 1q23.2.
Variant type: single nucleotide variant.
Coding change: c.959C>A on transcript NM_015331.3 (MANE Select); coding-DNA position 959, C replaced by A.
Protein change: p.Thr320Asn; replaces threonine 320 with asparagine.
Molecular consequence: missense variant. On other transcripts: intron variant (1).
Genome position (GRCh38, 1-based): chr1:160,352,169, C>A. VCF-style: chr1-160352169-C-A. GRCh37 (hg19) VCF-style: chr1-160321959-C-A.
Other names: c.899C>A, p.Thr300Asn (NM_001290184.2); c.959C>A, p.Thr320Asn (NM_001349729.2); c.583-718C>A (NM_001290186.2); short protein forms T300N, T320N.
Identifiers: ClinVar variation 2194277 (VCV002194277.4), dbSNP rs1648890947, ClinGen allele CA343279973.

ClinVar aggregate classification (germline): Uncertain significance (1 of 4 stars; one submission).

Allele frequency attached by ClinVar (database versions not stated): TOPMed below 0.00001; gnomAD 0.00001.
gnomAD v4.1: 2 of 1,614,036 alleles (0.00012%); highest among the groups gnomAD compares: African/African-American, 0.0027%; no homozygotes.

Submission:

Labcorp Genetics (formerly Invitae), Labcorp
Classification: Uncertain significance. Last evaluated: 2025-02-17. Review status: criteria provided, single submitter. Criteria: Invitae Variant Classification Sherloc (09022015). Collection method: clinical testing. Allele origin: germline.
Comment: This sequence change replaces threonine, which is neutral and polar, with asparagine, which is neutral and polar, at codon 320 of the NCSTN protein (p.Thr320Asn). This variant is not present in population databases (gnomAD no frequency). This variant has not been reported in the literature in individuals affected with NCSTN-related conditions. ClinVar contains an entry for this variant (Variation ID: 2194277). Invitae Evidence Modeling of protein sequence and biophysical properties (such as structural, functional, and spatial information, amino acid conservation, physicochemical variation, residue mobility, and thermodynamic stability) indicates that this missense variant is not expected to disrupt NCSTN protein function with a negative predictive value of 80%. In summary, the available evidence is currently insufficient to determine the role of this variant in disease. Therefore, it has been classified as a Variant of Uncertain Significance.